The following is an entry in ClinVar:

ClinVar aggregate classification (germline): Uncertain significance (1 of 4 stars; one submission).

Conditions:
Singleton-Merten syndrome 1 (SGMRT1). Also called: Widened medullary cavities of bone, aortic calcification, abnormal dentition, and muscular weakness; Syndrome of widened medullary cavities of the metacarpals and phalanges, aortic calcification and abnormal dentition. Identifiers: Orphanet 85191, MedGen C4225427, MONDO:0024535, OMIM 182250.
Aicardi-Goutieres syndrome 7 (AGS7). Identifiers: Orphanet 51, MedGen C3888244, MONDO:0014367, OMIM 615846.

gnomAD v4.1: 3 of 1,612,792 alleles (0.00019%); highest among the groups gnomAD compares: Non-Finnish European, 0.00025%; no homozygotes.

Submission:

Labcorp Genetics (formerly Invitae), Labcorp
Classification: Uncertain significance for Aicardi-Goutieres syndrome 7; Singleton-Merten syndrome 1. Last evaluated: 2026-01-01. Review status: criteria provided, single submitter. Criteria: Invitae Variant Classification Sherloc (09022015). Collection method: clinical testing. Allele origin: germline.
Comment: This sequence change replaces methionine, which is neutral and non-polar, with isoleucine, which is neutral and non-polar, at codon 313 of the IFIH1 protein (p.Met313Ile). This variant is present in population databases (no rsID available, gnomAD 0.0009%). This variant has not been reported in the literature in individuals affected with IFIH1-related conditions. Invitae Evidence Modeling of protein sequence and biophysical properties (such as structural, functional, and spatial information, amino acid conservation, physicochemical variation, residue mobility, and thermodynamic stability) has been performed for this missense variant. However, the output from this modeling did not meet the statistical confidence thresholds required to predict the impact of this variant on IFIH1 protein function. In summary, the available evidence is currently insufficient to determine the role of this variant in disease. Therefore, it has been classified as a Variant of Uncertain Significance.

NM_022168.4(IFIH1):c.939G>A (p.Met313Ile)

Gene: IFIH1 (interferon induced with helicase C domain 1; minus strand). Cytogenetic location: 2q24.2.
Variant type: single nucleotide variant.
Coding change: c.939G>A on transcript NM_022168.4 (MANE Select); coding-DNA position 939, G replaced by A.
Protein change: p.Met313Ile; replaces methionine 313 with isoleucine.
Molecular consequence: missense variant.
Genome position (GRCh38, 1-based): chr2:162,288,291, C>T on the plus strand (G>A on the coding strand, the complement: IFIH1 is on the minus strand). VCF-style: chr2-162288291-C-T. GRCh37 (hg19) VCF-style: chr2-163144801-C-T.
Other names: short protein forms M313I.
Identifiers: ClinVar variation 4789322 (VCV004789322.1).